The following is an entry in ClinVar:

NM_000383.4(AIRE):c.1435_1440dup (p.Thr480_Pro481insValThr)

Gene: AIRE (autoimmune regulator; plus strand). Cytogenetic location: 21q22.3.
Variant type: Duplication.
Coding change: c.1435_1440dup on transcript NM_000383.4 (MANE Select); coding-DNA positions 1435 to 1440, 6 bases duplicated (GTGACC; older notation c.1435_1440dupGTGACC).
Protein change: p.Thr480_Pro481insValThr.
Molecular consequence: inframe insertion.
Genome position (GRCh38, 1-based): chr21:44,294,435-44,294,440, GTGACC duplicated; duplicating any 6 consecutive bases within chr21:44,294,434-44,294,440 gives the same sequence; the c. name uses the placement nearest the transcript's 3' end. VCF-style (leftmost placement, unchanged base first): chr21-44294433-A-ACGTGAC. GRCh37 (hg19) VCF-style: chr21-45714316-A-ACGTGAC.
Identifiers: ClinVar variation 4739693 (VCV004739693.1).
Genomic context (GRCh38, chr21:44,294,433, plus strand): 5'-GCTGGCAGCCCCTCATCCTCTGCTGCAGGACGGGCCTGCGCTGCAGATCCTGCTCAGGAG[A>ACGTGAC]CGTGACCCCAGCCCCTGTGGAGGGGGTGCTGGCCCCCAGCCCCGCCCGCCTGGCCCCTGG-3'

ClinVar aggregate classification (germline): Uncertain significance (1 of 4 stars; one submission).

Conditions:
Polyglandular autoimmune syndrome, type 1 (APS1). Also called: Whitaker syndrome; AUTOIMMUNE POLYENDOCRINE SYNDROME, TYPE I, WITH OR WITHOUT REVERSIBLE METAPHYSEAL DYSPLASIA; APS I; Autoimmune polyendocrinopathy syndrome , type I, with or without reversible metaphyseal dysplasia; HYPOADRENOCORTICISM WITH HYPOPARATHYROIDISM AND SUPERFICIAL MONILIASIS; Autoimmune polyendocrinopathy syndrome, type I. Identifiers: Orphanet 3453, MedGen C0085859, MONDO:0009411, OMIM 240300.

Submission:

Labcorp Genetics (formerly Invitae), Labcorp
Classification: Uncertain significance for Polyglandular autoimmune syndrome, type 1. Last evaluated: 2025-11-03. Review status: criteria provided, single submitter. Criteria: Invitae Variant Classification Sherloc (09022015). Collection method: clinical testing. Allele origin: germline.
Comment: This variant, c.1435_1440dup, results in the insertion of 2 amino acid(s) of the AIRE protein (p.Val479_Thr480dup), but otherwise preserves the integrity of the reading frame. This variant is present in population databases (no rsID available, gnomAD 0.001%). This variant has not been reported in the literature in individuals affected with AIRE-related conditions. In summary, the available evidence is currently insufficient to determine the role of this variant in disease. Therefore, it has been classified as a Variant of Uncertain Significance.